The following is an entry in ClinVar:

NM_001389.5(DSCAM):c.555T>C (p.Asp185=)

Gene: DSCAM (DS cell adhesion molecule; minus strand). Cytogenetic location: 21q22.2.
Variant type: single nucleotide variant.
Coding change: c.555T>C on transcript NM_001389.5 (MANE Select); coding-DNA position 555, T replaced by C.
Protein change: p.Asp185=; no amino-acid change (aspartic acid 185 retained).
Molecular consequence: synonymous variant. On other transcripts: non-coding transcript variant (1).
Genome position (GRCh38, 1-based): chr21:40,369,199, A>G on the plus strand (T>C on the coding strand, the complement: DSCAM is on the minus strand). VCF-style: chr21-40369199-A-G. GRCh37 (hg19) VCF-style: chr21-41741126-A-G.
Other names: c.555T>C, p.Asp185= (NM_001271534.3).
Identifiers: ClinVar variation 795090 (VCV000795090.28), dbSNP rs79789068, ClinGen allele CA10031718.

ClinVar aggregate classification (germline): Benign/Likely benign. Review status: criteria provided, multiple submitters, no conflicts (2 of 4 stars). 3 submissions from 3 submitters: Benign (2); Likely benign (1). Last evaluated 2023-05-01.

Allele frequency attached by ClinVar (database versions not stated): gnomAD exomes 0.00027; ExAC 0.00032; gnomAD 0.00088; TOPMed 0.00097; ESP Exome Variant Server 0.00099; 1000 Genomes Project 0.00140; 1000 Genomes Project 30x 0.00156.
gnomAD v4.1: 297 of 1,612,568 alleles (0.018%); highest among the groups gnomAD compares: African/African-American, 0.31%; 1 homozygote.

Submissions (3):

CeGaT Center for Human Genetics Tuebingen
Classification: Likely benign. Last evaluated: 2023-05-01. Review status: criteria provided, single submitter. Criteria: CeGaT Center For Human Genetics Tuebingen Variant Classification Criteria Version 2. Collection method: clinical testing. Allele origin: germline. Affected: yes. Observed: 1 variant allele.
Comment: DSCAM: BP4, BS1

Labcorp Genetics (formerly Invitae), Labcorp
Classification: Benign. Last evaluated: 2018-11-26. Review status: criteria provided, single submitter. Criteria: Invitae Variant Classification Sherloc (09022015). Collection method: clinical testing. Allele origin: germline.

Breakthrough Genomics
Classification: Benign. Review status: criteria provided, single submitter. Criteria: ACMG Guidelines, 2015. Collection method: not provided. Allele origin: germline. Inheritance: Unknown mechanism. Affected: yes.